The following is an entry in ClinVar:

ClinVar aggregate classification (germline): Uncertain significance (1 of 4 stars; one submission).

Submission:

Labcorp Genetics (formerly Invitae), Labcorp
Classification: Uncertain significance. Last evaluated: 2022-12-15. Review status: criteria provided, single submitter. Criteria: Invitae Variant Classification Sherloc (09022015). Collection method: clinical testing. Allele origin: germline.
Comment: This variant is not present in population databases (gnomAD no frequency). This variant has not been reported in the literature in individuals affected with PAFAH1B1-related conditions. This sequence change replaces glycine, which is neutral and non-polar, with glutamic acid, which is acidic and polar, at codon 343 of the PAFAH1B1 protein (p.Gly343Glu). In summary, the available evidence is currently insufficient to determine the role of this variant in disease. Therefore, it has been classified as a Variant of Uncertain Significance. Algorithms developed to predict the effect of missense changes on protein structure and function (SIFT, PolyPhen-2, Align-GVGD) all suggest that this variant is likely to be tolerated.

NM_000430.4(PAFAH1B1):c.1028G>A (p.Gly343Glu)

Gene: PAFAH1B1 (platelet activating factor acetylhydrolase 1b regulatory subunit 1; plus strand). Cytogenetic location: 17p13.3.
Variant type: single nucleotide variant.
Coding change: c.1028G>A on transcript NM_000430.4 (MANE Select); coding-DNA position 1028, G replaced by A.
Protein change: p.Gly343Glu; replaces glycine 343 with glutamic acid.
Molecular consequence: missense variant.
Genome position (GRCh38, 1-based): chr17:2,680,189, G>A. VCF-style: chr17-2680189-G-A. GRCh37 (hg19) VCF-style: chr17-2583483-G-A.
Other names: short protein forms G343E.
Identifiers: ClinVar variation 2821297 (VCV002821297.3), dbSNP rs2544121474, ClinGen allele CA397642422.